The following is an entry in ClinVar:

NM_001170629.2(CHD8):c.1426G>A (p.Gly476Ser)

Gene: CHD8 (chromodomain helicase DNA binding protein 8; minus strand). Cytogenetic location: 14q11.2.
Variant type: single nucleotide variant.
Coding change: c.1426G>A on transcript NM_001170629.2 (MANE Select); coding-DNA position 1426, G replaced by A.
Protein change: p.Gly476Ser; replaces glycine 476 with serine.
Molecular consequence: missense variant.
Genome position (GRCh38, 1-based): chr14:21,428,044, C>T on the plus strand (G>A on the coding strand, the complement: CHD8 is on the minus strand). VCF-style: chr14-21428044-C-T. GRCh37 (hg19) VCF-style: chr14-21896203-C-T.
Other names: c.589G>A, p.Gly197Ser (NM_020920.4); short protein forms G197S, G476S.
Identifiers: ClinVar variation 3373253 (VCV003373253.2).
Genomic context (GRCh38, chr14:21,428,044, plus strand): 5'-CCTCTGGCCGAACGCTGGGCAACTCGTCCTCATTTAAGACTCGAGGTATGTTCTGCTCAC[C>T]GCGGGCACGGGCTCTCGCAATGGCCTCTGCTACAATCCGATTTGCTTTCTCTTGCTTCTT-3'
Protein context (NP_001164100.1, residues 466-486): AEAIARARAR[Gly476Ser]EQNIPRVLNE

ClinVar aggregate classification (germline): Uncertain significance (1 of 4 stars; one submission).

gnomAD v4.1: 1 of 1,614,044 alleles (0.000062%); highest among the groups gnomAD compares: Non-Finnish European, 0.000085%; no homozygotes.

Submission:

GeneDx
Classification: Uncertain significance. Last evaluated: 2026-09-22. Review status: criteria provided, single submitter. Criteria: GeneDx Variant Classification Process June 2021. Collection method: clinical testing. Allele origin: germline.
Comment: Not observed at significant frequency in large population cohorts (gnomAD); In silico analysis supports that this missense variant has a deleterious effect on protein structure/function; Has not been previously published as pathogenic or benign to our knowledge